The following is an entry in ClinVar:

ClinVar aggregate classification (germline): Uncertain significance (1 of 4 stars; one submission).

Submission:

CeGaT Center for Human Genetics Tuebingen
Classification: Uncertain significance. Last evaluated: 2026-04-01. Review status: criteria provided, single submitter. Criteria: CeGaT Center For Human Genetics Tuebingen Variant Classification Criteria Version 2. Collection method: clinical testing. Allele origin: germline. Affected: yes. Observed: 1 variant allele.
Comment: PYCR1: PM2, BP4

NM_006907.4(PYCR1):c.-390G>C

Genes: PYCR1 (pyrroline-5-carboxylate reductase 1; minus strand), LOC130061991 (ATAC-STARR-seq lymphoblastoid silent region 9172; plus strand). Cytogenetic location: 17q25.3.
Variant type: single nucleotide variant.
Coding change: c.-390G>C on transcript NM_006907.4 (MANE Select); 390 bases upstream of the start codon, G replaced by C.
Molecular consequence: 5 prime UTR variant. On other transcripts: missense variant (1), intron variant (3).
Genome position (GRCh38, 1-based): chr17:81,937,204, C>G on the plus strand (G>C on the coding strand, the complement: PYCR1 is on the minus strand). VCF-style: chr17-81937204-C-G. GRCh37 (hg19) VCF-style: chr17-79895080-C-G.
Other names: c.10G>C, p.Gly4Arg (NM_001282281.2); c.-390G>C (NM_153824.3); c.-48+58G>C (NM_001282279.2, NM_001330523.2, NM_001282280.2); short protein forms G4R.
Identifiers: ClinVar variation 4874776 (VCV004874776.2).